The following is an entry in ClinVar:

NM_002187.3(IL12B):c.708C>G (p.Asp236Glu)

Gene: IL12B (interleukin 12B; minus strand). Cytogenetic location: 5q33.3.
Variant type: single nucleotide variant.
Coding change: c.708C>G on transcript NM_002187.3 (MANE Select); coding-DNA position 708, C replaced by G.
Protein change: p.Asp236Glu; replaces aspartic acid 236 with glutamic acid.
Molecular consequence: missense variant.
Genome position (GRCh38, 1-based): chr5:159,318,883, G>C on the plus strand (C>G on the coding strand, the complement: IL12B is on the minus strand). VCF-style: chr5-159318883-G-C. GRCh37 (hg19) VCF-style: chr5-158745891-G-C.
Other names: short protein forms D236E.
Identifiers: ClinVar variation 2701546 (VCV002701546.3), dbSNP rs768677098, ClinGen allele CA362031631.

ClinVar aggregate classification (germline): Uncertain significance (1 of 4 stars; one submission).

Conditions:
Mendelian susceptibility to mycobacterial diseases due to complete IL12B deficiency. Also called: IL12B DEFICIENCY; Immunodeficiency 29. Identifiers: Orphanet 319558, MedGen C4013948, MONDO:0013954, OMIM 614890.

gnomAD v4.1: 6 of 1,613,932 alleles (0.00037%); highest among the groups gnomAD compares: Admixed American, 0.01%; no homozygotes.

Submission:

Labcorp Genetics (formerly Invitae), Labcorp
Classification: Uncertain significance for Mendelian susceptibility to mycobacterial diseases due to complete IL12B deficiency. Last evaluated: 2023-12-31. Review status: criteria provided, single submitter. Criteria: Invitae Variant Classification Sherloc (09022015). Collection method: clinical testing. Allele origin: germline.
Comment: This sequence change replaces aspartic acid, which is acidic and polar, with glutamic acid, which is acidic and polar, at codon 236 of the IL12B protein (p.Asp236Glu). This variant is present in population databases (no rsID available, gnomAD 0.01%). This variant has not been reported in the literature in individuals affected with IL12B-related conditions. Advanced modeling of protein sequence and biophysical properties (such as structural, functional, and spatial information, amino acid conservation, physicochemical variation, residue mobility, and thermodynamic stability) performed at Invitae indicates that this missense variant is expected to disrupt IL12B protein function with a positive predictive value of 80%. In summary, the available evidence is currently insufficient to determine the role of this variant in disease. Therefore, it has been classified as a Variant of Uncertain Significance.